The following is an entry in ClinVar:

ClinVar aggregate classification (germline): Pathogenic. Review status: criteria provided, multiple submitters, no conflicts (2 of 4 stars). 2 submissions from 2 submitters: Pathogenic (2). Last evaluated 2025-04-17.

Conditions:
Mowat-Wilson syndrome (MOWS). Also called: Classic Mowat-Wilson Syndrome. Identifiers: Orphanet 2152, MedGen C1856113, MONDO:0009341, OMIM 235730.

Submissions (2):

Clinical Genetics Laboratory, Skane University Hospital Lund
Classification: Pathogenic for Mowat-Wilson syndrome. Last evaluated: 2025-04-17. Review status: criteria provided, single submitter. Criteria: ACMG Guidelines, 2015. Collection method: clinical testing. Allele origin: de novo. Affected: yes.
Comment: ACMG criteria applied: PVS1_strong, PS2 (confirmed de novo), PS4_supporting, and PM2

Genomic Medicine, Universita Cattolica del Sacro Cuore
Classification: Pathogenic for Mowat-Wilson syndrome. Last evaluated: 2024-06-25. Review status: criteria provided, single submitter. Criteria: ACMG Guidelines, 2015. Collection method: clinical testing. Allele origin: de novo. Inheritance: Sporadic. Affected: yes. Observed: 1 heterozygote.
Comment: Confirmed de novo nonsense variant in the last exon of the ZEB2 gene. Absent from large population studies. NMD is not expected to be triggered. It removes more than 10% of the protein, thus, PVS1_Strong can be assigned (PMID: 30192042). A score of 10 may be assigned, according to PMID: 25741868 and PMID:32720330.

NM_014795.4(ZEB2):c.3171_3172del (p.Cys1057_Asp1058delinsTer)

Gene: ZEB2 (zinc finger E-box binding homeobox 2; minus strand). Cytogenetic location: 2q22.3.
Variant type: Microsatellite.
Coding change: c.3171_3172del on transcript NM_014795.4 (MANE Select); coding-DNA positions 3171 to 3172, 2 bases deleted (TG; older notation c.3171_3172delTG).
Protein change: p.Cys1057_Asp1058delinsTer.
Molecular consequence: nonsense.
Genome position (GRCh38, 1-based): chr2:144,389,924-144,389,925, CA deleted on the plus strand (TG on the coding strand, the reverse complement: ZEB2 is on the minus strand); deleting any 2 consecutive bases within chr2:144,389,924-144,389,928 gives the same sequence; the c. name uses the placement nearest the transcript's 3' end. VCF-style (leftmost placement, unchanged base first): chr2-144389923-TCA-T. GRCh37 (hg19) VCF-style: chr2-145147490-TCA-T.
Other names: c.3099_3100del, p.Cys1033_Asp1034delinsTer (NM_001171653.2).
Identifiers: ClinVar variation 3250487 (VCV003250487.3), dbSNP rs2549101925.